The following is an entry in ClinVar:

ClinVar aggregate classification (germline): Uncertain significance (1 of 4 stars; one submission).

Allele frequency attached by ClinVar (database versions not stated): TOPMed 0.00002; gnomAD 0.00003.
gnomAD v4.1: 7 of 1,546,490 alleles (0.00045%); highest among the groups gnomAD compares: African/African-American, 0.0096%; no homozygotes.

Submission:

GeneDx
Classification: Uncertain significance. Last evaluated: 2022-03-15. Review status: criteria provided, single submitter. Criteria: GeneDx Variant Classification Process June 2021. Collection method: clinical testing. Allele origin: germline. Affected: yes.
Comment: In silico analysis supports that this missense variant has a deleterious effect on protein structure/function; Has not been previously published as pathogenic or benign to our knowledge

NM_001145308.5(LRTOMT):c.268G>C (p.Ala90Pro)

Genes: LRTOMT (leucine rich transmembrane and O-methyltransferase domain containing; plus strand), TOMT (transmembrane O-methyltransferase; plus strand). Cytogenetic location: 11q13.4.
Variant type: single nucleotide variant.
Coding change: c.268G>C on transcript NM_001145308.5; coding-DNA position 268, G replaced by C.
Protein change: p.Ala90Pro; replaces alanine 90 with proline.
Molecular consequence: missense variant.
Genome position (GRCh38, 1-based): chr11:72,106,120, G>C. VCF-style: chr11-72106120-G-C. GRCh37 (hg19) VCF-style: chr11-71817166-G-C.
Other names: c.169G>C, p.Ala57Pro (NM_001393500.2); c.268G>C, p.Ala90Pro (NM_001145309.4); c.148G>C, p.Ala50Pro (NM_001145310.4); short protein forms A50P, A57P, A90P.
Identifiers: ClinVar variation 1706260 (VCV001706260.2), dbSNP rs1239074836, ClinGen allele CA381717874.
Genomic context (GRCh38, chr11:72,106,120, plus strand): 5'-CGAGACTGCCTGTCAGGGCTGCGGATCGAGGAGCGGGCCTTCAGCTACGTGCTCACCCAT[G>C]CCCTGCCCGGTGACCCTGGTCACATCCTCACCACCCTGGACCACTGGAGCAGCCGCTGCG-3'